The following is an entry in ClinVar:

NM_000051.4(ATM):c.3398A>G (p.Glu1133Gly)

Gene: ATM (ATM serine/threonine kinase; plus strand). Cytogenetic location: 11q22.3.
Variant type: single nucleotide variant.
Coding change: c.3398A>G on transcript NM_000051.4 (MANE Select); coding-DNA position 3398, A replaced by G.
Protein change: p.Glu1133Gly; replaces glutamic acid 1133 with glycine.
Molecular consequence: missense variant.
Genome position (GRCh38, 1-based): chr11:108,279,604, A>G. VCF-style: chr11-108279604-A-G. GRCh37 (hg19) VCF-style: chr11-108150331-A-G.
Other names: c.3398A>G, p.Glu1133Gly (NM_001351834.2); short protein forms E1133G.
Identifiers: ClinVar variation 857600 (VCV000857600.8), dbSNP rs1565439583, ClinGen allele CA382517864.
Genomic context (GRCh38, chr11:108,279,604, plus strand): 5'-TGAAGCTTCAGCAAACAGCTTTTGAAAATGCATACTTGAAAGCTCAGGAAGGAATGAGAG[A>G]AATGGTAATTTTAAGTAACATGTATTTGCTGTTATCATATGCTTGCTATGAATATCCCAT-3'
Protein context (NP_000042.3, residues 1123-1143): AYLKAQEGMR[Glu1133Gly]MSHSAENPET

ClinVar aggregate classification (germline): Uncertain significance (1 of 4 stars; one submission).

Conditions:
Ataxia-telangiectasia syndrome (AT). Also called: Ataxia telangiectasia (A-T); Cerebello-oculocutaneous telangiectasia; Immunodeficiency with ataxia telangiectasia; AT, COMPLEMENTATION GROUP C; ATAXIA-TELANGIECTASIA, COMPLEMENTATION GROUP A; ATAXIA-TELANGIECTASIA, FRESNO VARIANT. Identifiers: Orphanet 100, MedGen C0004135, MONDO:0008840, OMIM 208900.

Submission:

Labcorp Genetics (formerly Invitae), Labcorp
Classification: Uncertain significance for Ataxia-telangiectasia syndrome. Last evaluated: 2019-04-06. Review status: criteria provided, single submitter. Criteria: Invitae Variant Classification Sherloc (09022015). Collection method: clinical testing. Allele origin: germline.
Comment: In summary, the available evidence is currently insufficient to determine the role of this variant in disease. Therefore, it has been classified as a Variant of Uncertain Significance. Algorithms developed to predict the effect of missense changes on protein structure and function output the following: SIFT: "Tolerated"; PolyPhen-2: "Benign"; Align-GVGD: "Class C0". The glycine amino acid residue is found in multiple mammalian species, suggesting that this missense change does not adversely affect protein function. These predictions have not been confirmed by published functional studies and their clinical significance is uncertain. This variant has not been reported in the literature in individuals with ATM-related conditions. This variant is not present in population databases (ExAC no frequency). This sequence change replaces glutamic acid with glycine at codon 1133 of the ATM protein (p.Glu1133Gly). The glutamic acid residue is weakly conserved and there is a moderate physicochemical difference between glutamic acid and glycine.